The following is an entry in ClinVar:

ClinVar aggregate classification (germline): Uncertain significance. Review status: criteria provided, multiple submitters, no conflicts (2 of 4 stars). 2 submissions from 2 submitters: Uncertain significance (2). Last evaluated 2024-08-02.

Conditions:
Hereditary cancer-predisposing syndrome. Also called: Neoplastic Syndromes, Hereditary; Hereditary Cancer Syndrome; Tumor predisposition; Hereditary neoplastic syndrome. Identifiers: Orphanet 140162, MedGen C0027672, MeSH D009386, MONDO:0015356.
Ataxia-telangiectasia syndrome (AT). Also called: ATAXIA-TELANGIECTASIA, FRESNO VARIANT; ATAXIA-TELANGIECTASIA, COMPLEMENTATION GROUP A; Ataxia-telangiectasia, complementation group D; AT, COMPLEMENTATION GROUP C; Ataxia telangiectasia (A-T); LOUIS-BAR SYNDROME. Identifiers: Orphanet 100, MedGen C0004135, MONDO:0008840, OMIM 208900.

Submissions (2):

Ambry Genetics
Classification: Uncertain significance for Hereditary cancer-predisposing syndrome. Last evaluated: 2024-08-02. Review status: criteria provided, single submitter. Criteria: Ambry Variant Classification Scheme 2023. Collection method: clinical testing. Allele origin: germline.
Comment: The p.L950P variant (also known as c.2849T>C), located in coding exon 18 of the ATM gene, results from a T to C substitution at nucleotide position 2849. The leucine at codon 950 is replaced by proline, an amino acid with similar properties. This amino acid position is highly conserved in available vertebrate species. In addition, this alteration is predicted to be deleterious by in silico analysis. Based on the available evidence, the clinical significance of this variant remains unclear.

Labcorp Genetics (formerly Invitae), Labcorp
Classification: Uncertain significance for Ataxia-telangiectasia syndrome. Last evaluated: 2021-01-29. Review status: criteria provided, single submitter. Criteria: Invitae Variant Classification Sherloc (09022015). Collection method: clinical testing. Allele origin: germline.
Comment: In summary, the available evidence is currently insufficient to determine the role of this variant in disease. Therefore, it has been classified as a Variant of Uncertain Significance. This variant disrupts the p.Leu950 amino acid residue in ATM. Other variant(s) that disrupt this residue have been determined to be pathogenic (PMID: 10873394, 20678261, 12552559, 21792198). This suggests that this residue is clinically significant, and that variants that disrupt this residue are likely to be disease-causing. Advanced modeling of protein sequence and biophysical properties (such as structural, functional, and spatial information, amino acid conservation, physicochemical variation, residue mobility, and thermodynamic stability) performed at Invitae indicates that this missense variant is not expected to disrupt ATM protein function. This variant has not been reported in the literature in individuals with ATM-related conditions. This variant is not present in population databases (ExAC no frequency). This sequence change replaces leucine with proline at codon 950 of the ATM protein (p.Leu950Pro). The leucine residue is moderately conserved and there is a moderate physicochemical difference between leucine and proline.

Literature cited by the submitters: PubMed 10873394 (cited by Labcorp Genetics (formerly Invitae), Labcorp); PubMed 20678261 (cited by Labcorp Genetics (formerly Invitae), Labcorp); PubMed 12552559 (cited by Labcorp Genetics (formerly Invitae), Labcorp); PubMed 21792198 (cited by Labcorp Genetics (formerly Invitae), Labcorp).

NM_000051.4(ATM):c.2849T>C (p.Leu950Pro)

Gene: ATM (ATM serine/threonine kinase; plus strand). Cytogenetic location: 11q22.3.
Variant type: single nucleotide variant.
Coding change: c.2849T>C on transcript NM_000051.4 (MANE Select); coding-DNA position 2849, T replaced by C.
Protein change: p.Leu950Pro; replaces leucine 950 with proline.
Molecular consequence: missense variant.
Genome position (GRCh38, 1-based): chr11:108,271,074, T>C. VCF-style: chr11-108271074-T-C. GRCh37 (hg19) VCF-style: chr11-108141801-T-C.
Other names: c.2849T>C, p.Leu950Pro (NM_001351834.2); short protein forms L950P.
Identifiers: ClinVar variation 1438207 (VCV001438207.11), dbSNP rs786203054, ClinGen allele CA382546719.